The following is an entry in ClinVar:

NM_004260.4(RECQL4):c.1259-12T>C

Gene: RECQL4 (RecQ like helicase 4; minus strand). Cytogenetic location: 8q24.3.
Variant type: single nucleotide variant.
Coding change: c.1259-12T>C on transcript NM_004260.4 (MANE Select); 12 bases into the intron before coding-DNA position 1259, T replaced by C.
Molecular consequence: intron variant.
Genome position (GRCh38, 1-based): chr8:144,515,469, A>G on the plus strand (T>C on the coding strand, the complement: RECQL4 is on the minus strand). VCF-style: chr8-144515469-A-G. GRCh37 (hg19) VCF-style: chr8-145740853-A-G.
Identifiers: ClinVar variation 1614440 (VCV001614440.9), dbSNP rs539767366, ClinGen allele CA4948935.

ClinVar aggregate classification (germline): Conflicting classifications of pathogenicity. Review status: criteria provided, conflicting classifications (1 of 4 stars). 2 submissions from 2 submitters: Uncertain significance (1); Likely benign (1). Last evaluated 2025-07-31.

Conditions:
Hereditary cancer-predisposing syndrome. Also called: Neoplastic Syndromes, Hereditary; Hereditary neoplastic syndrome; Tumor predisposition; Hereditary Cancer Syndrome. Identifiers: Orphanet 140162, MedGen C0027672, MeSH D009386, MONDO:0015356.
Baller-Gerold syndrome (BGS). Also called: CRANIOSYNOSTOSIS WITH RADIAL DEFECTS. Identifiers: Orphanet 1225, MedGen C0265308, MONDO:0009039, OMIM 218600.

Allele frequency attached by ClinVar (database versions not stated): TOPMed 0.00001; gnomAD 0.00002; gnomAD exomes 0.00002 and 0.00003; ExAC 0.00003; 1000 Genomes Project 30x 0.00031; 1000 Genomes Project 0.00040.
gnomAD v4.1: 26 of 1,612,534 alleles (0.0016%); highest among the groups gnomAD compares: South Asian, 0.026%; no homozygotes.

Submissions (2):

Labcorp Genetics (formerly Invitae), Labcorp
Classification: Likely benign for Baller-Gerold syndrome. Last evaluated: 2025-07-31. Review status: criteria provided, single submitter. Criteria: Invitae Variant Classification Sherloc (09022015). Collection method: clinical testing. Allele origin: germline.

Sema4
Classification: Uncertain significance for Hereditary cancer-predisposing syndrome. Last evaluated: 2022-03-10. Review status: criteria provided, single submitter. Criteria: Sema4 Curation Guidelines. Collection method: curation. Allele origin: germline.
Comment: The RECQL4 c.1259-12T>C variant has not been reported in the literature to our knowledge. This variant was observed in 7/30560 chromosomes in the South Asian population according to the Genome Aggregation Database (PMID: 32461654). The variant has not been reported in ClinVar. The evidence is insufficient to meet ACMG/AMP criteria for classifying the variant as benign or pathogenic. Thus, the clinical significance of this variant is currently uncertain.